The following is an entry in ClinVar:

ClinVar aggregate classification (germline): Conflicting classifications of pathogenicity. Review status: criteria provided, conflicting classifications (1 of 4 stars). 2 submissions from 2 submitters: Uncertain significance (1); Likely benign (1). Last evaluated 2018-01-13.

Conditions:
Hirschsprung disease, susceptibility to, 2. Identifiers: Orphanet 388, MedGen C1838564, MONDO:0010833, OMIM 600155.

Allele frequency attached by ClinVar (database versions not stated): gnomAD 0.00001; gnomAD exomes 0.00001 and below 0.00001; TOPMed below 0.00001.
gnomAD v4.1: 7 of 1,589,846 alleles (0.00044%); highest among the groups gnomAD compares: East Asian, 0.0022%; no homozygotes.

Submissions (2):

Illumina Laboratory Services, Illumina
Classification: Uncertain significance for Hirschsprung disease, susceptibility to, 2. Last evaluated: 2018-01-13. Review status: criteria provided, single submitter. Criteria: ICSL Variant Classification Criteria 13 December 2019. Collection method: clinical testing. Allele origin: germline.

Laboratory for Molecular Medicine, Mass General Brigham Personalized Medicine
Classification: Likely benign. Last evaluated: 2017-03-13. Review status: criteria provided, single submitter. Criteria: LMM Criteria. Collection method: clinical testing. Allele origin: germline. Observed: 1 variant allele.
Comment: c.1464+15C>T in intron 7 of EDNRB: This variant is not expected to have clinical significance because it is not located within the splice consensus sequence and computational tools do not predict an impact to splicing. It has been identifie d in 2/125434 European chromosomes by the genome Aggregation Database (gnomAD; dbSNP rs886050325).

NM_001122659.3(EDNRB):c.1194+15C>T

Genes: EDNRB-AS1 (EDNRB antisense RNA 1; plus strand), EDNRB (endothelin receptor type B; minus strand). Cytogenetic location: 13q22.3.
Variant type: single nucleotide variant.
Coding change: c.1194+15C>T on transcript NM_001122659.3 (MANE Select); 15 bases into the intron after coding-DNA position 1194, C replaced by T.
Molecular consequence: intron variant.
Genome position (GRCh38, 1-based): chr13:77,899,844, G>A on the plus strand (C>T on the coding strand, the complement: EDNRB is on the minus strand). VCF-style: chr13-77899844-G-A. GRCh37 (hg19) VCF-style: chr13-78473979-G-A.
Other names: c.1194+15C>T (NM_000115.5, NM_003991.4); c.1464+15C>T (NM_001201397.2).
Identifiers: ClinVar variation 312469 (VCV000312469.8), dbSNP rs886050325, ClinGen allele CA10634523.
Genomic context (GRCh38, chr13:77,899,844, plus strand): 5'-GATATATTAGCAGTTTTGAAAGCTTATATTTGAGCCATATTACAAAGAGCTTTTTATTTT[G>A]GGATAGTCTCTTACCTTAAAGCAGTTTTTGAATCTTTTGCTCACCAAATACAGAGCAATT-3'